The following is an entry in ClinVar:

NM_005263.5(GFI1):c.198C>G (p.Asp66Glu)

Gene: GFI1 (growth factor independent 1 transcriptional repressor; minus strand). Cytogenetic location: 1p22.1.
Variant type: single nucleotide variant.
Coding change: c.198C>G on transcript NM_005263.5 (MANE Select); coding-DNA position 198, C replaced by G.
Protein change: p.Asp66Glu; replaces aspartic acid 66 with glutamic acid.
Molecular consequence: missense variant.
Genome position (GRCh38, 1-based): chr1:92,482,964, G>C on the plus strand (C>G on the coding strand, the complement: GFI1 is on the minus strand). VCF-style: chr1-92482964-G-C. GRCh37 (hg19) VCF-style: chr1-92948521-G-C.
Other names: c.198C>G, p.Asp66Glu (NM_001127215.3, NM_001127216.3); short protein forms D66E.
Identifiers: ClinVar variation 4858068 (VCV004858068.1).

ClinVar aggregate classification (germline): Uncertain significance (1 of 4 stars; one submission).

Submission:

Ambry Genetics
Classification: Uncertain significance. Last evaluated: 2026-05-27. Review status: criteria provided, single submitter. Criteria: Ambry Variant Classification Scheme 2023. Collection method: clinical testing. Allele origin: germline.
Comment: The p.D66E variant (also known as c.198C>G), located in coding exon 2 of the GFI1 gene, results from a C to G substitution at nucleotide position 198. The aspartic acid at codon 66 is replaced by glutamic acid, an amino acid with highly similar properties. This amino acid position is conserved. In addition, this alteration is predicted to be tolerated by in silico analysis. Based on the available evidence, the clinical significance of this variant remains unclear.